The following is an entry in ClinVar:

ClinVar aggregate classification (germline): Pathogenic/Likely pathogenic. Review status: criteria provided, multiple submitters, no conflicts (2 of 4 stars). 2 submissions from 2 submitters: Pathogenic (1); Likely pathogenic (1). Last evaluated 2023-07-13.

Conditions:
Spastic paraplegia. Identifiers: MedGen C0037772, HP:0001258.

Submissions (2):

Labcorp Genetics (formerly Invitae), Labcorp
Classification: Pathogenic for Spastic paraplegia. Last evaluated: 2023-07-13. Review status: criteria provided, single submitter. Criteria: Invitae Variant Classification Sherloc (09022015). Collection method: clinical testing. Allele origin: germline.
Comment: This sequence change creates a premature translational stop signal (p.Asp384Thrfs*10) in the CYP7B1 gene. It is expected to result in an absent or disrupted protein product. Loss-of-function variants in CYP7B1 are known to be pathogenic (PMID: 9802883, 19363635, 19439420, 21541746, 21567895, 28039895). This variant is not present in population databases (gnomAD no frequency). For these reasons, this variant has been classified as Pathogenic. ClinVar contains an entry for this variant (Variation ID: 1163024). This variant has not been reported in the literature in individuals affected with CYP7B1-related conditions.

Mayo Clinic Laboratories, Mayo Clinic
Classification: Likely pathogenic. Last evaluated: 2020-05-01. Review status: criteria provided, single submitter. Criteria: ACMG Guidelines, 2015. Collection method: clinical testing. Allele origin: germline. Observed: 1 variant allele.
Comment: PVS1_strong, PM2

Literature cited by the submitters: PubMed 9802883 (cited by Labcorp Genetics (formerly Invitae), Labcorp); PubMed 19363635 (cited by Labcorp Genetics (formerly Invitae), Labcorp); PubMed 19439420 (cited by Labcorp Genetics (formerly Invitae), Labcorp); PubMed 21541746 (cited by Labcorp Genetics (formerly Invitae), Labcorp); PubMed 21567895 (cited by Labcorp Genetics (formerly Invitae), Labcorp); PubMed 28039895 (cited by Labcorp Genetics (formerly Invitae), Labcorp).

NM_004820.5(CYP7B1):c.1150del (p.Asp384fs)

Gene: CYP7B1 (cytochrome P450 family 7 subfamily B member 1; minus strand). Cytogenetic location: 8q12.3.
Variant type: Deletion.
Coding change: c.1150del on transcript NM_004820.5 (MANE Select); coding-DNA position 1150, one base deleted (G; older notation c.1150delG).
Protein change: p.Asp384fs; shifts the reading frame from aspartic acid 384.
Molecular consequence: frameshift variant.
Genome position (GRCh38, 1-based): chr8:64,604,765, C deleted on the plus strand (G on the coding strand, the reverse complement: CYP7B1 is on the minus strand); the first of 4 consecutive C bases (chr8:64,604,765-64,604,768); deleting any one gives the same sequence. VCF-style (leftmost placement, unchanged base first): chr8-64604764-TC-T. GRCh37 (hg19) VCF-style: chr8-65517321-TC-T.
Other names: c.1150del, p.Asp384fs (NM_001324112.2); short protein forms D384fs.
Identifiers: ClinVar variation 1163024 (VCV001163024.8), dbSNP rs2129629942, ClinGen allele CA2499219387.